The following is an entry in ClinVar:

NM_000218.3(KCNQ1):c.1514+12703G>A

Genes: KCNQ1 (potassium voltage-gated channel subfamily Q member 1; plus strand), KCNQ1OT1 (KCNQ1 opposite strand/antisense transcript 1; minus strand). Cytogenetic location: 11p15.5.
Variant type: single nucleotide variant.
Coding change: c.1514+12703G>A on transcript NM_000218.3 (MANE Select); 12703 bases into the intron after coding-DNA position 1514, G replaced by A.
Molecular consequence: intron variant. On other transcripts: non-coding transcript variant (1).
Genome position (GRCh38, 1-based): chr11:2,674,784, G>A. VCF-style: chr11-2674784-G-A. GRCh37 (hg19) VCF-style: chr11-2696014-G-A.
Other names: c.1244+12703G>A (NM_001406837.1); c.1418+12703G>A (NM_001406836.1); c.974+12703G>A (NM_001406838.1); c.1133+12703G>A (NM_181798.2).
Identifiers: ClinVar variation 2641473 (VCV002641473.24), dbSNP rs114137805, ClinGen allele CA216180527.
Genomic context (GRCh38, chr11:2,674,784, plus strand): 5'-TAACTCGTTAAAGTTGCTCCAATCCCAGCCCAGTGCCAGACCAGCTTCCTGGAAACTCTC[G>A]CCAACTGCTGGCCTTTGGAAAGGCTTGTCACCCTAATAGCTGTTTTTTAAAAAAAAAAAA-3'

ClinVar aggregate classification (germline): Likely benign (1 of 4 stars; one submission).

Allele frequency attached by ClinVar (database versions not stated): gnomAD exomes 0.00037; 1000 Genomes Project 0.00260; 1000 Genomes Project 30x 0.00265; TOPMed 0.00286; gnomAD 0.00287.
gnomAD v4.1: 473 of 369,322 alleles (0.13%); highest among the groups gnomAD compares: African/African-American, 1%; 1 homozygote.

Submission:

CeGaT Center for Human Genetics Tuebingen
Classification: Likely benign. Last evaluated: 2026-09-01. Review status: criteria provided, single submitter. Criteria: CeGaT Center For Human Genetics Tuebingen Variant Classification Criteria Version 2. Collection method: clinical testing. Allele origin: germline. Affected: yes. Observed: 3 variant alleles.
Comment: KCNQ1OT1: BS1; KCNQ1: BS1